The following is an entry in ClinVar:

ClinVar aggregate classification (germline): Uncertain significance (1 of 4 stars; one submission).

Conditions:
Hereditary cancer-predisposing syndrome. Also called: Neoplastic Syndromes, Hereditary; Tumor predisposition; Hereditary neoplastic syndrome; Hereditary Cancer Syndrome. Identifiers: Orphanet 140162, MedGen C0027672, MeSH D009386, MONDO:0015356.

Submission:

Ambry Genetics
Classification: Uncertain significance for Hereditary cancer-predisposing syndrome. Last evaluated: 2026-09-14. Review status: criteria provided, single submitter. Criteria: Ambry Variant Classification Scheme 2023. Collection method: clinical testing. Allele origin: germline.
Comment: The p.D605Y variant (also known as c.1813G>T), located in coding exon 13 of the PTCH1 gene, results from a G to T substitution at nucleotide position 1813. The aspartic acid at codon 605 is replaced by tyrosine, an amino acid with highly dissimilar properties. This amino acid position is conserved. In addition, this alteration is predicted to be deleterious by in silico analysis. Based on the available evidence, the clinical significance of this variant remains unclear.

NM_000264.5(PTCH1):c.1813G>T (p.Asp605Tyr)

Genes: PTCH1 (patched 1; minus strand), LOC100507346 (uncharacterized LOC100507346; plus strand). Cytogenetic location: 9q22.32.
Variant type: single nucleotide variant.
Coding change: c.1813G>T on transcript NM_000264.5 (MANE Select); coding-DNA position 1813, G replaced by T.
Protein change: p.Asp605Tyr; replaces aspartic acid 605 with tyrosine.
Molecular consequence: missense variant. On other transcripts: non-coding transcript variant (2).
Genome position (GRCh38, 1-based): chr9:95,469,847, C>A on the plus strand (G>T on the coding strand, the complement: PTCH1 is on the minus strand). VCF-style: chr9-95469847-C-A. GRCh37 (hg19) VCF-style: chr9-98232129-C-A.
Other names: c.1615G>T, p.Asp539Tyr (NM_001083602.3); c.1810G>T, p.Asp604Tyr (NM_001083603.3); c.1360G>T, p.Asp454Tyr (NM_001083604.3, NM_001083605.3, NM_001083606.3 and 1 more transcripts); c.1657G>T, p.Asp553Tyr (NM_001354918.2); short protein forms D604Y, D454Y, D553Y, D539Y, D605Y.
Identifiers: ClinVar variation 5027575 (VCV005027575.1).